The following is an entry in ClinVar:

ClinVar aggregate classification (germline): Uncertain significance. Review status: criteria provided, multiple submitters, no conflicts (2 of 4 stars). 2 submissions from 2 submitters: Uncertain significance (2). Last evaluated 2025-06-24.

Conditions:
TSHZ1-related disorder. Also called: TSHZ1-related condition.

Allele frequency attached by ClinVar (database versions not stated): gnomAD exomes below 0.00001; gnomAD 0.00001; TOPMed 0.00001.

Submissions (2):

Ambry Genetics
Classification: Uncertain significance. Last evaluated: 2025-06-24. Review status: criteria provided, single submitter. Criteria: Ambry Variant Classification Scheme 2023. Collection method: clinical testing. Allele origin: germline.

PreventionGenetics, part of Exact Sciences
Classification: Uncertain significance for TSHZ1-related condition. Last evaluated: 2022-09-28. Review status: criteria provided, single submitter. Criteria: ACMG Guidelines, 2015. Collection method: clinical testing. Allele origin: germline.
Comment: The TSHZ1 c.92C>T variant is predicted to result in the amino acid substitution p.Ser31Leu. To our knowledge, this variant has not been reported in the literature. This variant is reported in 0.0% of alleles in individuals of African descent in gnomAD. At this time, the clinical significance of this variant is uncertain due to the absence of conclusive functional and genetic evidence.

NM_001308210.2(TSHZ1):c.227C>T (p.Ser76Leu)

Gene: TSHZ1 (teashirt zinc finger homeobox 1; plus strand). Cytogenetic location: 18q22.3.
Variant type: single nucleotide variant.
Coding change: c.227C>T on transcript NM_001308210.2 (MANE Select); coding-DNA position 227, C replaced by T.
Protein change: p.Ser76Leu; replaces serine 76 with leucine.
Molecular consequence: missense variant.
Genome position (GRCh38, 1-based): chr18:75,285,634, C>T. VCF-style: chr18-75285634-C-T. GRCh37 (hg19) VCF-style: chr18-72997589-C-T.
Other names: c.92C>T, p.Ser31Leu (NM_005786.6); c.92C>T (NM_005786.4); short protein forms S31L, S76L.
Identifiers: ClinVar variation 2628706 (VCV002628706.2), dbSNP rs764108233, ClinGen allele CA302806753.
Genomic context (GRCh38, chr18:75,285,634, plus strand): 5'-CGCAGAGCTACCAGAACTCCCCAGTCAGCTCTGCGACTAACCAGGACGCCGGCTACGGGT[C>T]GCCCTTCAGTGAGAGCAGCGACCAGCTAGCCCATTTCAAAGGCTCTTCCTCTCGAGAAGA-3'
Protein context (NP_001295139.1, residues 66-86): SATNQDAGYG[Ser76Leu]PFSESSDQLA